The following is an entry in ClinVar:

ClinVar aggregate classification (germline): Uncertain significance (1 of 4 stars; one submission).

gnomAD v4.1: 3 of 1,614,086 alleles (0.00019%); highest among the groups gnomAD compares: Admixed American, 0.0033%; no homozygotes.

Submission:

Labcorp Genetics (formerly Invitae), Labcorp
Classification: Uncertain significance. Last evaluated: 2025-08-23. Review status: criteria provided, single submitter. Criteria: Invitae Variant Classification Sherloc (09022015). Collection method: clinical testing. Allele origin: germline.
Comment: This sequence change replaces serine, which is neutral and polar, with proline, which is neutral and non-polar, at codon 3893 of the DNAH9 protein (p.Ser3893Pro). This variant is present in population databases (no rsID available, gnomAD 0.006%). This variant has not been reported in the literature in individuals affected with DNAH9-related conditions. Invitae Evidence Modeling of protein sequence and biophysical properties (such as structural, functional, and spatial information, amino acid conservation, physicochemical variation, residue mobility, and thermodynamic stability) indicates that this missense variant is expected to disrupt DNAH9 protein function with a positive predictive value of 80%. In summary, the available evidence is currently insufficient to determine the role of this variant in disease. Therefore, it has been classified as a Variant of Uncertain Significance.

NM_001372.4(DNAH9):c.11677T>C (p.Ser3893Pro)

Gene: DNAH9 (dynein axonemal heavy chain 9; plus strand). Cytogenetic location: 17p12.
Variant type: single nucleotide variant.
Coding change: c.11677T>C on transcript NM_001372.4 (MANE Select); coding-DNA position 11677, T replaced by C.
Protein change: p.Ser3893Pro; replaces serine 3893 with proline.
Molecular consequence: missense variant.
Genome position (GRCh38, 1-based): chr17:11,905,737, T>C. VCF-style: chr17-11905737-T-C. GRCh37 (hg19) VCF-style: chr17-11809054-T-C.
Other names: c.613T>C, p.Ser205Pro (NM_004662.2); short protein forms S3893P, S205P.
Identifiers: ClinVar variation 4769604 (VCV004769604.1).
Genomic context (GRCh38, chr17:11,905,737, plus strand): 5'-AAGTTAGGAAGCAAATACGTGGTGGGAAGAGCCCTAGATTTTGCAACCTCATTTGAAGAA[T>C]CGGGACCAGCCACTCCTATGTTTTTCATCCTGTCTCCAGGGGTGGACCCACTGAAGGATG-3'
Protein context (NP_001363.2, residues 3883-3903): ALDFATSFEE[Ser3893Pro]GPATPMFFIL